The following is an entry in ClinVar:

NM_000400.4(ERCC2):c.1235A>G (p.Lys412Arg)

Gene: ERCC2 (ERCC excision repair 2, TFIIH core complex helicase subunit; minus strand). Cytogenetic location: 19q13.32.
Variant type: single nucleotide variant.
Coding change: c.1235A>G on transcript NM_000400.4 (MANE Select); coding-DNA position 1235, A replaced by G.
Protein change: p.Lys412Arg; replaces lysine 412 with arginine.
Molecular consequence: missense variant.
Genome position (GRCh38, 1-based): chr19:45,361,526, T>C on the plus strand (A>G on the coding strand, the complement: ERCC2 is on the minus strand). VCF-style: chr19-45361526-T-C. GRCh37 (hg19) VCF-style: chr19-45864784-T-C.
Other names: c.1163A>G, p.Lys388Arg (NM_001130867.2); short protein forms K412R, K388R.
Identifiers: ClinVar variation 1756623 (VCV001756623.2), dbSNP rs2514023082, ClinGen allele CA406369775.
Genomic context (GRCh38, chr19:45,361,526, plus strand): 5'-TGGGACCCTGATTCCAGCTGCTAGGAGGCCCAGCAGGGACAGAAAAAGGTGAGCTTACCT[T>C]TGGCGTAGGTGCTGACAAGGGTGGCAAAGTTAGCAAGGAGGGTGAGCGGGGAGAAGTCAG-3'
Protein context (NP_000391.1, residues 402-422): NFATLVSTYA[Lys412Arg]GFTIIIEPFD

ClinVar aggregate classification (germline): Uncertain significance (1 of 4 stars; one submission).

Conditions:
Inborn genetic diseases. Identifiers: MedGen C0950123, MeSH D030342.

Submission:

Ambry Genetics
Classification: Uncertain significance for Inborn genetic diseases. Last evaluated: 2021-08-13. Review status: criteria provided, single submitter. Criteria: Ambry Variant Classification Scheme 2023. Collection method: clinical testing. Allele origin: germline.
Comment: The p.K412R variant (also known as c.1235A>G), located in coding exon 12 of the ERCC2 gene, results from an A to G substitution at nucleotide position 1235. The lysine at codon 412 is replaced by arginine, an amino acid with highly similar properties. This amino acid position is conserved. In addition, this alteration is predicted to be tolerated by in silico analysis. Since supporting evidence is limited at this time, the clinical significance of this alteration remains unclear.